The following is an entry in ClinVar:

ClinVar aggregate classification (germline): Likely pathogenic (0 of 4 stars; one submission).

Conditions:
SERPINB7-related disorder. Also called: SERPINB7-related condition.

Submission:

PreventionGenetics, part of Exact Sciences
Classification: Likely pathogenic for SERPINB7-related condition. Last evaluated: 2024-01-04. Review status: no assertion criteria provided. Collection method: clinical testing. Allele origin: germline.
Comment: The SERPINB7 c.54_55delGA variant is predicted to result in a frameshift and premature protein termination (p.Glu18Aspfs*3). To our knowledge, this variant has not been reported in the literature or in a large population database, indicating this variant is rare. Frameshift variants in SERPINB7 are expected to be pathogenic. This variant is interpreted as likely pathogenic.

NM_003784.4(SERPINB7):c.54_55del (p.Glu18fs)

Gene: SERPINB7 (serpin family B member 7; plus strand). Cytogenetic location: 18q21.33.
Variant type: Microsatellite.
Coding change: c.54_55del on transcript NM_003784.4 (MANE Select); coding-DNA positions 54 to 55, 2 bases deleted (GA; older notation c.54_55delGA).
Protein change: p.Glu18fs; shifts the reading frame from glutamic acid 18.
Molecular consequence: frameshift variant.
Genome position (GRCh38, 1-based): chr18:63,782,426-63,782,427, GA deleted; deleting any 2 consecutive bases within chr18:63,782,421-63,782,427 gives the same sequence; the c. name uses the placement nearest the transcript's 3' end. VCF-style (leftmost placement, unchanged base first): chr18-63782420-CAG-C. GRCh37 (hg19) VCF-style: chr18-61449654-CAG-C.
Other names: c.54_55del, p.Glu18fs (NM_001040147.3, NM_001261830.2, NM_001261831.2); short protein forms E18fs.
Identifiers: ClinVar variation 3049966 (VCV003049966.2), dbSNP rs1049876333, ClinGen allele CA301832254.
Genomic context (GRCh38, chr18:63,782,420, plus strand): 5'-ACTCCATTTTGCAATGGCCTCCCTTGCTGCAGCAAATGCAGAGTTTTGCTTCAACCTGTT[CAG>C]AGAGATGGATGACAATCAAGGAAATGGAAATGTGTTCTTTTCCTCTCTGAGCCTCTTCGC-3'